The following is an entry in ClinVar:

NM_006939.4(SOS2):c.1196+266C>T

Gene: SOS2 (SOS Ras/Rho guanine nucleotide exchange factor 2; minus strand). Cytogenetic location: 14q21.3.
Variant type: single nucleotide variant.
Coding change: c.1196+266C>T on transcript NM_006939.4 (MANE Select); 266 bases into the intron after coding-DNA position 1196, C replaced by T.
Molecular consequence: intron variant.
Genome position (GRCh38, 1-based): chr14:50,161,216, G>A on the plus strand (C>T on the coding strand, the complement: SOS2 is on the minus strand). VCF-style: chr14-50161216-G-A. GRCh37 (hg19) VCF-style: chr14-50627934-G-A.
Identifiers: ClinVar variation 561871 (VCV000561871.1), dbSNP rs7154516, ClinGen allele CA13937553.
Genomic context (GRCh38, chr14:50,161,216, plus strand): 5'-GGTGGTGGGCTCCTGTAGTTCCAGTTACTTGGGAGGCGAAGGCAGGAGAATCATTGGAAC[G>A]CAGGAGGCTAAGGCTGCAGGTTGCAGTGAGCTGAGATTACACCACTGCACTCCAGCCTGG-3'

ClinVar aggregate classification (germline): Benign (1 of 4 stars; one submission).

Allele frequency attached by ClinVar (database versions not stated): 1000 Genomes Project 30x 0.52264; 1000 Genomes Project 0.52276; TOPMed 0.59858; gnomAD 0.60100 and 0.60315.
gnomAD v4.1: 90,175 of 149,806 alleles (60%); highest among the groups gnomAD compares: Middle Eastern, 68%; 27,731 homozygotes.

Submission:

GeneDx
Classification: Benign. Last evaluated: 2018-06-14. Review status: criteria provided, single submitter. Criteria: GeneDx Variant Classification (06012015). Collection method: clinical testing. Allele origin: germline. Affected: yes.
Comment: This variant is considered likely benign or benign based on one or more of the following criteria: it is a conservative change, it occurs at a poorly conserved position in the protein, it is predicted to be benign by multiple in silico algorithms, and/or has population frequency not consistent with disease.